The following is an entry in ClinVar:

ClinVar aggregate classification (germline): Uncertain significance (1 of 4 stars; one submission).

Submission:

Greenwood Genetic Center Diagnostic Laboratories, Greenwood Genetic Center
Classification: Uncertain significance. Last evaluated: 2025-06-18. Review status: criteria provided, single submitter. Criteria: ACMG Guidelines, 2015. Collection method: clinical testing. Allele origin: germline. Affected: yes.
Comment: Gene of Uncertain Significance

NM_001377996.1(PPEF1):c.11G>A (p.Ser4Asn)

Gene: PPEF1 (protein phosphatase with EF-hand domain 1; plus strand). Cytogenetic location: Xp22.13.
Variant type: single nucleotide variant.
Coding change: c.11G>A on transcript NM_001377996.1 (MANE Select); coding-DNA position 11, G replaced by A.
Protein change: p.Ser4Asn; replaces serine 4 with asparagine.
Molecular consequence: missense variant. On other transcripts: 5 prime UTR variant (3).
Genome position (GRCh38, 1-based): chrX:18,707,791, G>A. VCF-style: chrX-18707791-G-A. GRCh37 (hg19) VCF-style: chrX-18725910-G-A.
Other names: c.11G>A, p.Ser4Asn (NM_001377986.2, NM_001377993.1, NM_001378381.1 and 7 more transcripts); c.-57G>A (NM_001377994.1); c.-199G>A (NM_001377995.1); c.-71G>A (NM_001389624.1); short protein forms S4N.
Identifiers: ClinVar variation 4538324 (VCV004538324.1).
Genomic context (GRCh38, chrX:18,707,791, plus strand): 5'-CTTAAAATCAGAAGTTGAATTCATGAACACATATGATTTAGATAGAAGTCATGGGATGCA[G>A]CAGTTCTTCAACGAAAACCAGGAGATCTGACACATGTGAGTACTGGGAATGTGCCTGTGG-3'
Protein context (NP_001364925.1, residues 1-14): MGC[Ser4Asn]SSSTKTRRSD